The following is an entry in ClinVar:

NM_000218.3(KCNQ1):c.1855T>A (p.Leu619Met)

Genes: KCNQ1 (potassium voltage-gated channel subfamily Q member 1; plus strand), KCNQ1-AS1 (KCNQ1 antisense RNA 1; minus strand). Cytogenetic location: 11p15.4.
Variant type: single nucleotide variant.
Coding change: c.1855T>A on transcript NM_000218.3 (MANE Select); coding-DNA position 1855, T replaced by A.
Protein change: p.Leu619Met; replaces leucine 619 with methionine.
Molecular consequence: missense variant.
Genome position (GRCh38, 1-based): chr11:2,847,827, T>A. VCF-style: chr11-2847827-T-A. GRCh37 (hg19) VCF-style: chr11-2869057-T-A.
Other names: c.1855T>A (LRG_287t1); c.1759T>A, p.Leu587Met (NM_001406836.1); c.1585T>A, p.Leu529Met (NM_001406837.1); c.1315T>A, p.Leu439Met (NM_001406838.1); c.367T>A, p.Leu123Met (NM_001406839.1); c.1474T>A, p.Leu492Met (NM_181798.2); short protein forms L619M, L492M, L123M, L529M, L587M, L439M.
Identifiers: ClinVar variation 53021 (VCV000053021.12), dbSNP rs199472819, ClinGen allele CA006511.

ClinVar aggregate classification (germline): Uncertain significance. Review status: criteria provided, multiple submitters, no conflicts (2 of 4 stars). 9 submissions from 6 submitters: Uncertain significance (8). 1 of the submissions does not count toward it. Last evaluated 2026-07-01.

Conditions:
Cardiovascular phenotype. Identifiers: MedGen CN230736.
Familial long QT syndrome (RWS). Also called: Congenital long QT syndrome; Romano-Ward syndrome; VENTRICULAR FIBRILLATION WITH PROLONGED QT INTERVAL. Identifiers: Orphanet 768, MedGen C1141890, MONDO:0019171.
Long QT syndrome (LQTS). Identifiers: MedGen C0023976, MeSH D008133, MONDO:0002442. Disease mechanism: loss of function. Inheritance: Various modes of inheritance.
Atrial fibrillation, familial, 3 (ATFB3). Identifiers: MedGen C1837014, MONDO:0011857, OMIM 607554.
Jervell and Lange-Nielsen syndrome 1 (JLNS1). Also called: CARDIOAUDITORY SYNDROME OF JERVELL AND LANGE-NIELSEN; DEAFNESS, CONGENITAL, AND FUNCTIONAL HEART DISEASE; PROLONGED QT INTERVAL IN EKG AND SUDDEN DEATH; SURDO-CARDIAC SYNDROME. Identifiers: Orphanet 768, Orphanet 90647, MedGen C4551509, MONDO:0024540, OMIM 220400.
Long QT syndrome 1 (LQT1). Identifiers: Orphanet 101016, Orphanet 768, MedGen C4551647, MONDO:0100316, OMIM 192500, MONDO:0008646.
Short QT syndrome type 2. Identifiers: Orphanet 51083, MedGen C1865019, MONDO:0012313, OMIM 609621.

Allele frequency attached by ClinVar (database versions not stated): gnomAD exomes below 0.00001; TOPMed below 0.00001.
gnomAD v4.1: 5 of 1,568,664 alleles (0.00032%); highest among the groups gnomAD compares: Non-Finnish European, 0.00043%; no homozygotes.

Submissions (9):

CeGaT Center for Human Genetics Tuebingen
Classification: Uncertain significance. Last evaluated: 2026-07-01. Review status: criteria provided, single submitter. Criteria: CeGaT Center For Human Genetics Tuebingen Variant Classification Criteria Version 2. Collection method: clinical testing. Allele origin: germline. Affected: yes. Observed: 1 variant allele.
Comment: KCNQ1: PM2

All of Us Research Program, National Institutes of Health
Classification: Uncertain significance for Long QT syndrome. Last evaluated: 2023-06-28. Review status: criteria provided, single submitter. Criteria: ACMG Guidelines, 2015. Collection method: clinical testing. Allele origin: germline. Inheritance: Autosomal dominant inheritance. Observed: 1 variant allele, 1 heterozygote.
Comment: This study involves interpretation of variants in research participants for the purpose of population health screening. Participant phenotype was not available at the time of variant classification. Additional details can be found in publication PMID: 35346344, PMCID: PMC8962531

Ambry Genetics
Classification: Uncertain significance for Cardiovascular phenotype. Last evaluated: 2022-08-08. Review status: criteria provided, single submitter. Criteria: Ambry Variant Classification Scheme 2023. Collection method: clinical testing. Allele origin: germline.

GeneDx
Classification: Uncertain significance. Last evaluated: 2017-09-26. Review status: criteria provided, single submitter. Criteria: GeneDx Variant Classification (06012015). Collection method: clinical testing. Allele origin: germline. Affected: yes.
Comment: A variant of uncertain significance has been identified in the KCNQ1 gene. The L619M variant has been reported in one patient undergoing genetic testing for LQTS (Tester et al., 2005); however, additional clinical information and segregation data were not provided. The L619M variant is not observed in large population cohorts (Lek et al., 2016). Nonetheless, the L619M variant is a conservative amino acid substitution, which is not likely to impact secondary protein structure as these residues share similar properties. This substitution occurs at a position that is not conserved across species and where methionine (M) is present as the wild type in at least one species. In silico analysis predicts this variant likely does not alter the protein structure/function. Finally, functional studies are inconsistent in their conclusions about the pathogenicity of this variant (Aromolaran et al., 2014; Mousavi Nik et al., 2015).

Illumina Laboratory Services, Illumina
Classification: Uncertain significance for Jervell and Lange-Nielsen syndrome 1. Last evaluated: 2017-04-27. Review status: criteria provided, single submitter. Criteria: ICSL Variant Classification Criteria 13 December 2019. Collection method: clinical testing. Allele origin: germline.

Illumina Laboratory Services, Illumina
Classification: Uncertain significance for Short QT syndrome type 2. Last evaluated: 2017-04-27. Review status: criteria provided, single submitter. Criteria: ICSL Variant Classification Criteria 13 December 2019. Collection method: clinical testing. Allele origin: germline.

Illumina Laboratory Services, Illumina
Classification: Uncertain significance for Long QT syndrome 1. Last evaluated: 2017-04-27. Review status: criteria provided, single submitter. Criteria: ICSL Variant Classification Criteria 13 December 2019. Collection method: clinical testing. Allele origin: germline.

Illumina Laboratory Services, Illumina
Classification: Uncertain significance for Atrial fibrillation, familial, 3. Last evaluated: 2017-04-27. Review status: criteria provided, single submitter. Criteria: ICSL Variant Classification Criteria 13 December 2019. Collection method: clinical testing. Allele origin: germline.

Cardiovascular Biomedical Research Unit, Royal Brompton & Harefield NHS Foundation Trust
No classification provided. Condition: Familial long QT syndrome. Review status: no classification provided. Collection method: literature only. Allele origin: germline. Not counted in ClinVar's aggregate classification.
Comment: This variant has been reported as associated with Long QT syndrome in the following publications (PMID:15840476;PMID:19841300). This is a literature report, and does not necessarily reflect the clinical interpretation of the Imperial College / Royal Brompton Cardiovascular Genetics laboratory.

Literature cited by the submitters: PubMed 15840476 (cited by Cardiovascular Biomedical Research Unit, Royal Brompton & Harefield NHS Foundation Trust); PubMed 19841300 (cited by Cardiovascular Biomedical Research Unit, Royal Brompton & Harefield NHS Foundation Trust); PubMed 22581653 (cited by Cardiovascular Biomedical Research Unit, Royal Brompton & Harefield NHS Foundation Trust).